The following is an entry in ClinVar:

ClinVar aggregate classification (germline): Likely benign (1 of 4 stars; one submission).

Conditions:
LEP-related disorder. Also called: LEP-related condition.

gnomAD v4.1: 4 of 1,614,026 alleles (0.00025%); highest among the groups gnomAD compares: Admixed American, 0.0033%; no homozygotes.

Submission:

PreventionGenetics, part of Exact Sciences
Classification: Likely benign for LEP-related condition. Last evaluated: 2026-09-22. Review status: criteria provided, single submitter. Criteria: ACMG Guidelines, 2015. Collection method: clinical testing. Allele origin: germline.
Comment: This variant is classified as likely benign based on ACMG/AMP sequence variant interpretation guidelines (Richards et al. 2015 PMID: 25741868, with internal and published modifications).

NM_000230.3(LEP):c.264T>C (p.Ser88=)

Gene: LEP (leptin; plus strand). Cytogenetic location: 7q32.1.
Variant type: single nucleotide variant.
Coding change: c.264T>C on transcript NM_000230.3 (MANE Select); coding-DNA position 264, T replaced by C.
Protein change: p.Ser88=; no amino-acid change (serine 88 retained).
Molecular consequence: synonymous variant.
Genome position (GRCh38, 1-based): chr7:128,254,523, T>C. VCF-style: chr7-128254523-T-C. GRCh37 (hg19) VCF-style: chr7-127894576-T-C.
Identifiers: ClinVar variation 4977310 (VCV004977310.1).